The following is an entry in ClinVar:

NM_001267550.2(TTN):c.102533A>G (p.Glu34178Gly)

Genes: TTN-AS1 (TTN antisense RNA 1; plus strand), TTN (titin; minus strand). Cytogenetic location: 2q31.2.
Variant type: single nucleotide variant.
Coding change: c.102533A>G on transcript NM_001267550.2 (MANE Select); coding-DNA position 102533, A replaced by G.
Protein change: p.Glu34178Gly; replaces glutamic acid 34178 with glycine.
Molecular consequence: missense variant.
Genome position (GRCh38, 1-based): chr2:178,534,082, T>C on the plus strand (A>G on the coding strand, the complement: TTN is on the minus strand). VCF-style: chr2-178534082-T-C. GRCh37 (hg19) VCF-style: chr2-179398809-T-C.
Other names: c.97610A>G, p.Glu32537Gly (NM_001256850.1); c.75338A>G, p.Glu25113Gly (NM_003319.4); c.94829A>G, p.Glu31610Gly (NM_133378.4); c.75713A>G, p.Glu25238Gly (NM_133432.3); c.75914A>G, p.Glu25305Gly (NM_133437.4); short protein forms E25113G, E25238G, E25305G, E31610G, E32537G, E34178G.
Identifiers: ClinVar variation 3752113 (VCV003752113.2).
Genomic context (GRCh38, chr2:178,534,082, plus strand): 5'-TCTTTGACATAGAGGATGGCCACTCCATCTTCGTAGGTGATTTCGTATTTCTCACTGTTC[T>C]CCAGCTGTCGGACGCCAAAGTACCAAGTCACTTGGGTAGACTGATCATAATTTTCAATTT-3'
Protein context (NP_001254479.2, residues 34168-34188): VTWYFGVRQL[Glu34178Gly]NSEKYEITYE

ClinVar aggregate classification (germline): Uncertain significance (1 of 4 stars; one submission).

Conditions:
Autosomal recessive limb-girdle muscular dystrophy type 2J (LGMDR10). Also called: Limb-girdle muscular dystrophy, type 2J; MUSCULAR DYSTROPHY, LIMB-GIRDLE, AUTOSOMAL RECESSIVE 10. Identifiers: Orphanet 140922, MedGen C1837342, MONDO:0012127, OMIM 608807.
Dilated cardiomyopathy 1G (CMD1G). Identifiers: Orphanet 154, MedGen C1858763, MONDO:0011400, OMIM 604145.

Submission:

Labcorp Genetics (formerly Invitae), Labcorp
Classification: Uncertain significance for Dilated cardiomyopathy 1G; Autosomal recessive limb-girdle muscular dystrophy type 2J. Last evaluated: 2024-09-12. Review status: criteria provided, single submitter. Criteria: Invitae Variant Classification Sherloc (09022015). Collection method: clinical testing. Allele origin: germline.
Comment: This sequence change replaces glutamic acid, which is acidic and polar, with glycine, which is neutral and non-polar, at codon 34178 of the TTN protein (p.Glu34178Gly). This variant is not present in population databases (gnomAD no frequency). This variant has not been reported in the literature in individuals affected with TTN-related conditions. Experimental studies and prediction algorithms are not available or were not evaluated, and the functional significance of this variant is currently unknown. This variant is located in the M band of TTN (PMID: 25589632). Non-truncating variants in this region may be relevant for neuromuscular disorders, but have not been definitively shown to cause cardiomyopathy (PMID: 23975875). In summary, the available evidence is currently insufficient to determine the role of this variant in disease. Therefore, it has been classified as a Variant of Uncertain Significance.

Literature cited by the submitters: PubMed 25589632; PubMed 23975875.